The following is an entry in ClinVar:

NM_000138.5(FBN1):c.6129G>T (p.Gly2043=)

Gene: FBN1 (fibrillin 1; minus strand). Cytogenetic location: 15q21.1.
Variant type: single nucleotide variant.
Coding change: c.6129G>T on transcript NM_000138.5 (MANE Select); coding-DNA position 6129, G replaced by T.
Protein change: p.Gly2043=; no amino-acid change (glycine 2043 retained).
Molecular consequence: synonymous variant.
Genome position (GRCh38, 1-based): chr15:48,441,755, C>A on the plus strand (G>T on the coding strand, the complement: FBN1 is on the minus strand). VCF-style: chr15-48441755-C-A. GRCh37 (hg19) VCF-style: chr15-48733952-C-A.
Other names: c.6129G>T, p.Gly2043= (NM_001406716.1).
Identifiers: ClinVar variation 2506142 (VCV002506142.4), dbSNP rs766473100, ClinGen allele CA490021483.

ClinVar aggregate classification (germline): Likely benign. Review status: criteria provided, multiple submitters, no conflicts (2 of 4 stars). 2 submissions from 2 submitters: Likely benign (2). Last evaluated 2023-05-18.

Conditions:
Marfan syndrome (MFS). Also called: MARFAN SYNDROME, TYPE I; FBN1-Related Marfan Syndrome; Marfan syndrome type 1; Marfan's syndrome; Marfan syndrome, classic. Identifiers: Orphanet 284963, Orphanet 558, MedGen C0024796, MONDO:0007947, OMIM 154700.
Familial thoracic aortic aneurysm and aortic dissection (TAAD). Also called: Thoracic aortic aneurysms and dissections. Identifiers: Orphanet 91387, MedGen C4707243, MONDO:0019625.

Submissions (2):

Women's Health and Genetics/Laboratory Corporation of America, LabCorp
Classification: Likely benign. Last evaluated: 2023-05-18. Review status: criteria provided, single submitter. Criteria: LabCorp Variant Classification Summary - May 2015. Collection method: clinical testing. Allele origin: germline.
Comment: Variant summary: FBN1 c.6129G>T alters a non-conserved nucleotide resulting in a synonymous change. 4/4 computational tools predict no significant impact on normal splicing. However, these predictions have yet to be confirmed by functional studies. The variant was absent in 251042 control chromosomes. The available data on variant occurrences in the general population are insufficient to allow any conclusion about variant significance. To our knowledge, no occurrence of c.6129G>T in individuals affected with Marfan Syndrome and no experimental evidence demonstrating its impact on protein function have been reported. No clinical diagnostic laboratories have submitted clinical-significance assessments for this variant to ClinVar after 2014. Based on the evidence outlined above, the variant was classified as likely benign.

Labcorp Genetics (formerly Invitae), Labcorp
Classification: Likely benign for Marfan syndrome; Familial thoracic aortic aneurysm and aortic dissection. Last evaluated: 2023-02-21. Review status: criteria provided, single submitter. Criteria: Invitae Variant Classification Sherloc (09022015). Collection method: clinical testing. Allele origin: germline.